The following is an entry in ClinVar:

NM_001184.4(ATR):c.4442G>A (p.Ser1481Asn)

Gene: ATR (ATR checkpoint kinase; minus strand). Cytogenetic location: 3q23.
Variant type: single nucleotide variant.
Coding change: c.4442G>A on transcript NM_001184.4 (MANE Select); coding-DNA position 4442, G replaced by A.
Protein change: p.Ser1481Asn; replaces serine 1481 with asparagine.
Molecular consequence: missense variant.
Genome position (GRCh38, 1-based): chr3:142,515,456, C>T on the plus strand (G>A on the coding strand, the complement: ATR is on the minus strand). VCF-style: chr3-142515456-C-T. GRCh37 (hg19) VCF-style: chr3-142234298-C-T.
Other names: c.4250G>A, p.Ser1417Asn (NM_001354579.2); short protein forms S1417N, S1481N.
Identifiers: ClinVar variation 948455 (VCV000948455.12), dbSNP rs2032818637, ClinGen allele CA354798240.

ClinVar aggregate classification (germline): Uncertain significance. Review status: criteria provided, multiple submitters, no conflicts (2 of 4 stars). 4 submissions from 3 submitters: Uncertain significance (4). Last evaluated 2025-06-29.

Conditions:
Seckel syndrome 1 (SCKL1). Also called: MICROCEPHALIC PRIMORDIAL DWARFISM I. Identifiers: Orphanet 808, MedGen C4551474, MONDO:0008869, OMIM 210600.
Familial cutaneous telangiectasia and oropharyngeal predisposition cancer syndrome. Identifiers: Orphanet 313846, MedGen C3281203, MONDO:0013806, OMIM 614564.
Inborn genetic diseases. Identifiers: MedGen C0950123, MeSH D030342.

Allele frequency attached by ClinVar (database versions not stated): gnomAD exomes below 0.00001.
gnomAD v4.1: 1 of 1,613,618 alleles (0.000062%); highest among the groups gnomAD compares: Non-Finnish European, 0.000085%; no homozygotes.

Submissions (4):

Labcorp Genetics (formerly Invitae), Labcorp
Classification: Uncertain significance. Last evaluated: 2025-06-29. Review status: criteria provided, single submitter. Criteria: Invitae Variant Classification Sherloc (09022015). Collection method: clinical testing. Allele origin: germline.
Comment: This sequence change replaces serine, which is neutral and polar, with asparagine, which is neutral and polar, at codon 1481 of the ATR protein (p.Ser1481Asn). This variant is not present in population databases (gnomAD no frequency). This variant has not been reported in the literature in individuals affected with ATR-related conditions. ClinVar contains an entry for this variant (Variation ID: 948455). An algorithm developed to predict the effect of missense changes on protein structure and function (PolyPhen-2) suggests that this variant is likely to be disruptive. In summary, the available evidence is currently insufficient to determine the role of this variant in disease. Therefore, it has been classified as a Variant of Uncertain Significance.

Genome-Nilou Lab
Classification: Uncertain significance for Seckel syndrome 1. Last evaluated: 2023-02-08. Review status: criteria provided, single submitter. Criteria: ACMG Guidelines, 2015. Collection method: clinical testing. Allele origin: germline.

Genome-Nilou Lab
Classification: Uncertain significance for Familial cutaneous telangiectasia and oropharyngeal predisposition cancer syndrome. Last evaluated: 2023-02-08. Review status: criteria provided, single submitter. Criteria: ACMG Guidelines, 2015. Collection method: clinical testing. Allele origin: germline.

Ambry Genetics
Classification: Uncertain significance for Inborn genetic diseases. Last evaluated: 2021-12-21. Review status: criteria provided, single submitter. Criteria: Ambry Variant Classification Scheme 2023. Collection method: clinical testing. Allele origin: germline.
Comment: The p.S1481N variant (also known as c.4442G>A), located in coding exon 25 of the ATR gene, results from a G to A substitution at nucleotide position 4442. The serine at codon 1481 is replaced by asparagine, an amino acid with highly similar properties. This amino acid position is conserved. In addition, this alteration is predicted to be tolerated by in silico analysis. Since supporting evidence is limited at this time, the clinical significance of this alteration remains unclear.